The following is an entry in ClinVar:

NM_194318.4(B3GLCT):c.504A>G (p.Ile168Met)

Gene: B3GLCT (beta 3-glucosyltransferase; plus strand). Cytogenetic location: 13q12.3.
Variant type: single nucleotide variant.
Coding change: c.504A>G on transcript NM_194318.4 (MANE Select); coding-DNA position 504, A replaced by G.
Protein change: p.Ile168Met; replaces isoleucine 168 with methionine.
Molecular consequence: missense variant.
Genome position (GRCh38, 1-based): chr13:31,260,990, A>G. VCF-style: chr13-31260990-A-G. GRCh37 (hg19) VCF-style: chr13-31835127-A-G.
Other names: c.504A>G (NM_194318.3); short protein forms I168M.
Identifiers: ClinVar variation 1391242 (VCV001391242.9), dbSNP rs116639305, ClinGen allele CA6936619.

ClinVar aggregate classification (germline): Uncertain significance. Review status: criteria provided, multiple submitters, no conflicts (2 of 4 stars). 2 submissions from 2 submitters: Uncertain significance (2). Last evaluated 2022-07-06.

Conditions:
Peters plus syndrome. Also called: KRAUSE-KIVLIN SYNDROME. Identifiers: Orphanet 709, MedGen C0796012, MONDO:0009856, OMIM 261540.
Inborn genetic diseases. Identifiers: MedGen C0950123, MeSH D030342.

Allele frequency attached by ClinVar (database versions not stated): gnomAD 0.00006 and 0.00007; TOPMed 0.00006; gnomAD exomes 0.00010; ExAC 0.00014; ESP Exome Variant Server 0.00015; 1000 Genomes Project 30x 0.00016; 1000 Genomes Project 0.00020.
gnomAD v4.1: 153 of 1,614,032 alleles (0.0095%); highest among the groups gnomAD compares: Non-Finnish European, 0.013%; no homozygotes.

Submissions (2):

Labcorp Genetics (formerly Invitae), Labcorp
Classification: Uncertain significance for Peters plus syndrome. Last evaluated: 2022-07-06. Review status: criteria provided, single submitter. Criteria: Invitae Variant Classification Sherloc (09022015). Collection method: clinical testing. Allele origin: germline.
Comment: Algorithms developed to predict the effect of missense changes on protein structure and function are either unavailable or do not agree on the potential impact of this missense change (SIFT: "Deleterious"; PolyPhen-2: "Probably Damaging"; Align-GVGD: "Class C0"). In summary, the available evidence is currently insufficient to determine the role of this variant in disease. Therefore, it has been classified as a Variant of Uncertain Significance. ClinVar contains an entry for this variant (Variation ID: 1391242). This variant has not been reported in the literature in individuals affected with B3GLCT-related conditions. This variant is present in population databases (rs116639305, gnomAD 0.02%). This sequence change replaces isoleucine, which is neutral and non-polar, with methionine, which is neutral and non-polar, at codon 168 of the B3GLCT protein (p.Ile168Met).

Ambry Genetics
Classification: Uncertain significance for Inborn genetic diseases. Last evaluated: 2021-10-12. Review status: criteria provided, single submitter. Criteria: Ambry Variant Classification Scheme 2023. Collection method: clinical testing. Allele origin: germline.